The following is an entry in ClinVar:

NM_000059.4(BRCA2):c.9767A>G (p.Glu3256Gly)

Gene: BRCA2 (BRCA2 DNA repair associated; plus strand). Cytogenetic location: 13q13.1.
Variant type: single nucleotide variant.
Coding change: c.9767A>G on transcript NM_000059.4 (MANE Select); coding-DNA position 9767, A replaced by G.
Protein change: p.Glu3256Gly; replaces glutamic acid 3256 with glycine.
Molecular consequence: missense variant.
Genome position (GRCh38, 1-based): chr13:32,398,280, A>G. VCF-style: chr13-32398280-A-G. GRCh37 (hg19) VCF-style: chr13-32972417-A-G.
Other names: short protein forms E3256G.
Identifiers: ClinVar variation 823468 (VCV000823468.5), dbSNP rs1198621190, ClinGen allele CA387765784.

ClinVar aggregate classification (germline): Conflicting classifications of pathogenicity. Review status: criteria provided, conflicting classifications (1 of 4 stars). 2 submissions from 2 submitters: Uncertain significance (1); Likely benign (1). Last evaluated 2025-05-15.

Conditions:
Hereditary cancer-predisposing syndrome. Also called: Hereditary Cancer Syndrome; Neoplastic Syndromes, Hereditary; Hereditary neoplastic syndrome; Tumor predisposition. Identifiers: Orphanet 140162, MedGen C0027672, MeSH D009386, MONDO:0015356.
Breast-ovarian cancer, familial, susceptibility to, 2 (BROVCA2). Also called: BRCA2 Hereditary Breast and Ovarian Cancer. Identifiers: Orphanet 145, MedGen C2675520, MONDO:0012933, OMIM 612555. Disease mechanism: loss of function.

Allele frequency attached by ClinVar (database versions not stated): gnomAD 0.00002.
gnomAD v4.1: 3 of 1,613,996 alleles (0.00019%); highest among the groups gnomAD compares: Non-Finnish European, 0.00025%; no homozygotes.

Submissions (2):

Ambry Genetics
Classification: Uncertain significance for Hereditary cancer-predisposing syndrome. Last evaluated: 2025-05-15. Review status: criteria provided, single submitter. Criteria: Ambry Variant Classification Scheme 2023. Collection method: clinical testing. Allele origin: germline.
Comment: The p.E3256G variant (also known as c.9767A>G), located in coding exon 26 of the BRCA2 gene, results from an A to G substitution at nucleotide position 9767. The glutamic acid at codon 3256 is replaced by glycine, an amino acid with similar properties. This variant was detected in 1/910 Turkish breast and ovarian cancer patients (Solmaz AE et al. Cancer Genet, 2020 Feb;241:20-24). This amino acid position is well conserved in available vertebrate species. In addition, this alteration is predicted to be tolerated by in silico analysis. Based on the available evidence, the clinical significance of this variant remains unclear.

Molecular Pathology, Peter Maccallum Cancer Centre
Classification: Likely benign for Breast-ovarian cancer, familial, susceptibility to, 2. Last evaluated: 2025-04-01. Review status: criteria provided, single submitter. Criteria: ACMG Guidelines, 2015. Collection method: clinical testing. Allele origin: germline. Inheritance: Autosomal dominant inheritance.

Literature cited by the submitters: PubMed 31954625 (cited by Ambry Genetics).